The following is an entry in ClinVar:

NC_000020.11:g.44355629T>C

Gene: HNF4A (hepatocyte nuclear factor 4 alpha; plus strand). Cytogenetic location: 20q13.12.
Variant type: single nucleotide variant.
Genome position: GRCh38 VCF-style: chr20-44355629-T-C. GRCh37 (hg19) VCF-style: chr20-42984269-T-C.
Identifiers: ClinVar variation 4077385 (VCV004077385.1).

ClinVar aggregate classification (germline): Uncertain significance (3 of 4 stars; one submission).

Conditions:
Monogenic diabetes. Identifiers: Orphanet 183625, MedGen C3888631, MONDO:0015967.

Submission:

ClinGen Monogenic Diabetes Variant Curation Expert Panel
Classification: Uncertain significance for Monogenic diabetes. Last evaluated: 2025-09-02. Review status: reviewed by expert panel. Criteria: ClinGen Diabetes ACMG Specifications HNF4A V3.0.0. Collection method: curation. Allele origin: germline. Inheritance: Autosomal dominant inheritance.
Comment: The c.-176T>C p.(?) variant in the hepatocyte nuclear factor 4-alpha gene, HNF4A, is a single nucleotide variant in the promoter region of NM_175914.5. This variant is absent from gnomAD v2.1.1 and v4.1.0 (PM2_Supporting). This variant is located within a conserved region of the HNF1A/HNF1B binding site in the P2 promoter of HNF4A, which is defined as critical for the protein’s function by the ClinGen MDEP (PM1_Supporting). This variant was identified in an individual with a clinical history highly specific for HNF4A-MODY (MODY probability calculator result >50% and, negative genetic testing for HNF1A) (PP4; internal lab contributors). In summary, c.-176T>C p.(?) meets the criteria to be classified as a variant of uncertain significance for monogenic diabetes. ACMG/AMP criteria applied, as specified by the ClinGen MDEP VCEP (specification version 3.0.0, approved 6/30/2025): PM1_Supporting, PM2_Supporting, PP4.